The following is an entry in ClinVar:

ClinVar aggregate classification (germline): Pathogenic (1 of 4 stars; one submission).

Conditions:
Developmental and epileptic encephalopathy, 12 (DEE12). Identifiers: MedGen C3150988, MONDO:0013389, OMIM 613722.

Submission:

Labcorp Genetics (formerly Invitae), Labcorp
Classification: Pathogenic for Developmental and epileptic encephalopathy, 12. Last evaluated: 2023-08-17. Review status: criteria provided, single submitter. Criteria: Invitae Variant Classification Sherloc (09022015). Collection method: clinical testing. Allele origin: germline.
Comment: For these reasons, this variant has been classified as Pathogenic. This sequence change creates a premature translational stop signal (p.Ala429Glnfs*43) in the PNKP gene. While this is not anticipated to result in nonsense mediated decay, it is expected to disrupt the last 93 amino acid(s) of the PNKP protein. This variant is present in population databases (rs746413622, gnomAD 0.006%). This premature translational stop signal has been observed in individual(s) with PNKP-related conditions (PMID: 29652299). ClinVar contains an entry for this variant (Variation ID: 1455443). This variant disrupts a region of the PNKP protein in which other variant(s) (p.Gln517*) have been determined to be pathogenic (PMID: 30039206). This suggests that this is a clinically significant region of the protein, and that variants that disrupt it are likely to be disease-causing.

Literature cited by the submitters: PubMed 29652299; PubMed 30039206.

NM_007254.4(PNKP):c.1270_1283dup (p.Ala429fs)

Gene: PNKP (polynucleotide kinase 3'-phosphatase; minus strand). Cytogenetic location: 19q13.33.
Variant type: Duplication.
Coding change: c.1270_1283dup on transcript NM_007254.4 (MANE Select); coding-DNA positions 1270 to 1283, 14 bases duplicated (ACAAACCCAGACGC).
Protein change: p.Ala429fs; shifts the reading frame from alanine 429.
Molecular consequence: frameshift variant.
Genome position (GRCh38, 1-based): chr19:49,861,787-49,861,800, GCGTCTGGGTTTGT duplicated on the plus strand (ACAAACCCAGACGC on the coding strand, the reverse complement: PNKP is on the minus strand); duplicating any 14 consecutive bases within chr19:49,861,787-49,861,801 gives the same sequence; the c. name uses the placement nearest the transcript's 3' end. VCF-style (leftmost placement, unchanged base first): chr19-49861786-G-GGCGTCTGGGTTTGT. GRCh37 (hg19) VCF-style: chr19-50365043-G-GGCGTCTGGGTTTGT.
Other names: short protein forms A429fs.
Identifiers: ClinVar variation 1455443 (VCV001455443.6), dbSNP rs746413622, ClinGen allele CA9586492.